The following is an entry in ClinVar:

ClinVar aggregate classification (germline): Uncertain significance (1 of 4 stars; one submission).

Conditions:
Cardiovascular phenotype. Identifiers: MedGen CN230736.

Submission:

Ambry Genetics
Classification: Uncertain significance for Cardiovascular phenotype. Last evaluated: 2024-01-03. Review status: criteria provided, single submitter. Criteria: Ambry Variant Classification Scheme 2023. Collection method: clinical testing. Allele origin: germline.
Comment: The c.5662-5C>T intronic variant results from a C to T substitution 5 nucleotides upstream from coding exon 36 in the MYH6 gene. This nucleotide position is not well conserved in available vertebrate species. In silico splice site analysis predicts that this alteration will not have any significant effect on splicing. Since supporting evidence is limited at this time, the clinical significance of this alteration remains unclear.

NM_002471.4(MYH6):c.5662-5C>T

Gene: MYH6 (myosin heavy chain 6; minus strand). Cytogenetic location: 14q11.2.
Variant type: single nucleotide variant.
Coding change: c.5662-5C>T on transcript NM_002471.4 (MANE Select); 5 bases into the intron before coding-DNA position 5662, C replaced by T.
Molecular consequence: intron variant.
Genome position (GRCh38, 1-based): chr14:23,382,567, G>A on the plus strand (C>T on the coding strand, the complement: MYH6 is on the minus strand). VCF-style: chr14-23382567-G-A. GRCh37 (hg19) VCF-style: chr14-23851776-G-A.
Identifiers: ClinVar variation 3222359 (VCV003222359.1), dbSNP rs2502130051, ClinGen allele CA2825002211.